The following is an entry in ClinVar:

NM_007255.3(B4GALT7):c.519G>A (p.Leu173=)

Gene: B4GALT7 (beta-1,4-galactosyltransferase 7; plus strand). Cytogenetic location: 5q35.3.
Variant type: single nucleotide variant.
Coding change: c.519G>A on transcript NM_007255.3 (MANE Select); coding-DNA position 519, G replaced by A.
Protein change: p.Leu173=; no amino-acid change (leucine 173 retained).
Molecular consequence: synonymous variant.
Genome position (GRCh38, 1-based): chr5:177,607,407, G>A. VCF-style: chr5-177607407-G-A. GRCh37 (hg19) VCF-style: chr5-177034408-G-A.
Other names: c.519G>A (NM_007255.2).
Identifiers: ClinVar variation 2428024 (VCV002428024.9), dbSNP rs778346267, ClinGen allele CA3586521.

ClinVar aggregate classification (germline): Likely benign. Review status: criteria provided, multiple submitters, no conflicts (2 of 4 stars). 2 submissions from 2 submitters: Likely benign (2). Last evaluated 2025-11-14.

Conditions:
B4GALT7-related disorder. Also called: B4GALT7-related condition.
Spondylodysplastic Ehlers-Danlos syndrome. Identifiers: Orphanet 536471, Orphanet 75496, MedGen C5680154, MONDO:0007526.

Allele frequency attached by ClinVar (database versions not stated): gnomAD exomes 0.00001; ExAC 0.00002.
gnomAD v4.1: 15 of 1,614,132 alleles (0.00093%); highest among the groups gnomAD compares: South Asian, 0.0077%; no homozygotes.

Submissions (2):

PreventionGenetics, part of Exact Sciences
Classification: Likely benign for B4GALT7-related condition. Last evaluated: 2025-11-14. Review status: criteria provided, single submitter. Criteria: ACMG Guidelines, 2015. Collection method: clinical testing. Allele origin: germline.
Comment: This variant is classified as likely benign based on ACMG/AMP sequence variant interpretation guidelines (Richards et al. 2015 PMID: 25741868, with internal and published modifications).

Labcorp Genetics (formerly Invitae), Labcorp
Classification: Likely benign for Spondylodysplastic Ehlers-Danlos syndrome. Last evaluated: 2025-09-14. Review status: criteria provided, single submitter. Criteria: Invitae Variant Classification Sherloc (09022015). Collection method: clinical testing. Allele origin: germline.